The following is an entry in ClinVar:

ClinVar aggregate classification (germline): Likely benign (1 of 4 stars; one submission).

gnomAD v4.1: 1 of 1,611,702 alleles (0.000062%); highest among the groups gnomAD compares: Non-Finnish European, 0.000085%; no homozygotes.

Submission:

CeGaT Center for Human Genetics Tuebingen
Classification: Likely benign. Last evaluated: 2024-11-01. Review status: criteria provided, single submitter. Criteria: CeGaT Center For Human Genetics Tuebingen Variant Classification Criteria Version 2. Collection method: clinical testing. Allele origin: germline. Affected: yes. Observed: 1 variant allele.
Comment: GBP6: BP4, BP7

NM_198460.3(GBP6):c.1356A>G (p.Lys452=)

Gene: GBP6 (guanylate binding protein family member 6; plus strand). Cytogenetic location: 1p22.2.
Variant type: single nucleotide variant.
Coding change: c.1356A>G on transcript NM_198460.3 (MANE Select); coding-DNA position 1356, A replaced by G.
Protein change: p.Lys452=; no amino-acid change (lysine 452 retained).
Molecular consequence: synonymous variant.
Genome position (GRCh38, 1-based): chr1:89,382,867, A>G. VCF-style: chr1-89382867-A-G. GRCh37 (hg19) VCF-style: chr1-89848426-A-G.
Other names: c.966A>G, p.Lys322= (NM_001320257.2).
Identifiers: ClinVar variation 3389772 (VCV003389772.14).